The following is an entry in ClinVar:

NM_001366028.2(DNAH12):c.11851G>A (p.Gly3951Arg)

Gene: DNAH12 (dynein axonemal heavy chain 12; minus strand). Cytogenetic location: 3p14.3.
Variant type: single nucleotide variant.
Coding change: c.11851G>A on transcript NM_001366028.2 (MANE Select); coding-DNA position 11851, G replaced by A.
Protein change: p.Gly3951Arg; replaces glycine 3951 with arginine.
Molecular consequence: missense variant.
Genome position (GRCh38, 1-based): chr3:57,293,813, C>T on the plus strand (G>A on the coding strand, the complement: DNAH12 is on the minus strand). VCF-style: chr3-57293813-C-T. GRCh37 (hg19) VCF-style: chr3-57327841-C-T.
Other names: short protein forms G3951R.
Identifiers: ClinVar variation 5006671 (VCV005006671.2).
Genomic context (GRCh38, chr3:57,293,813, plus strand): 5'-TTTTGGATGTTTTATAAATTTGTCCAATTTAGTCATCCAACTGACAAAGCAAAGCAACCC[C>T]GCGCTTGATCCAGTGCCGAGTAGGTTGGTCTGTTTTTAACAACATTGCAATGACAAAGTT-3'
Protein context (NP_001352957.1, residues 3941-3960): DQPTRHWIKR[Gly3951Arg]VALLCQLDD

ClinVar aggregate classification (germline): Uncertain significance (1 of 4 stars; one submission).

Conditions:
Spermatogenic failure 100. Identifiers: MedGen C6012726, MONDO:0978302, OMIM 621209.

gnomAD v4.1: 13 of 1,549,370 alleles (0.00084%); highest among the groups gnomAD compares: South Asian, 0.0012%; no homozygotes.

Submission:

Juno Genomics, Hangzhou Juno Genomics, Inc
Classification: Uncertain significance for Spermatogenic failure 100. Review status: criteria provided, single submitter. Criteria: ACMG Guidelines, 2015. Collection method: clinical testing. Allele origin: germline.
Comment: Absent from controls (or at extremely low frequency if recessive) in Genome Aggregation Database.;Multiple lines of computational evidence support a deleterious effect on the gene or gene product.